The following is an entry in ClinVar:

NM_182961.4(SYNE1):c.11187G>T (p.Lys3729Asn)

Gene: SYNE1 (spectrin repeat containing nuclear envelope protein 1; minus strand). Cytogenetic location: 6q25.2.
Variant type: single nucleotide variant.
Coding change: c.11187G>T on transcript NM_182961.4 (MANE Select); coding-DNA position 11187, G replaced by T.
Protein change: p.Lys3729Asn; replaces lysine 3729 with asparagine.
Molecular consequence: missense variant.
Genome position (GRCh38, 1-based): chr6:152,353,329, C>A on the plus strand (G>T on the coding strand, the complement: SYNE1 is on the minus strand). VCF-style: chr6-152353329-C-A. GRCh37 (hg19) VCF-style: chr6-152674464-C-A.
Other names: p.Lys3714Asn; c.11142G>T, p.Lys3714Asn (NM_033071.5); short protein forms K3714N, K3729N.
Identifiers: ClinVar variation 198378 (VCV000198378.64), dbSNP rs143070183, ClinGen allele CA203386.
Genomic context (GRCh38, chr6:152,353,329, plus strand): 5'-CGTCTTCAATTTCTTCCCCATCATTACTGTATCTACTTTGTCAATCTTGGTAGCCACATT[C>A]TTGAAGTTTTTATGAGTAGAGCCATACCAATCAGAATAGGAACTGAGGGATGATTCTGAT-3'
Protein context (NP_892006.3, residues 3719-3739): DWYGSTHKNF[Lys3729Asn]NVATKIDKVD

ClinVar aggregate classification (germline): Benign/Likely benign. Review status: criteria provided, multiple submitters, no conflicts (2 of 4 stars). 11 submissions from 10 submitters: Benign (4); Likely benign (6). 1 of the submissions does not count toward it. Last evaluated 2026-09-01.

Conditions:
Arthrogryposis multiplex congenita 3, myogenic type. Also called: ARTHROGRYPOSIS MULTIPLEX CONGENITA, MYOGENIC TYPE. Identifiers: MedGen C5193121, MONDO:0032778, OMIM 618484.
Emery-Dreifuss muscular dystrophy 4, autosomal dominant (EDMD4). Also called: EMERY-DREIFUSS MUSCULAR DYSTROPHY 4 WITH VARIABLE FEATURES. Identifiers: Orphanet 261, MedGen C2751807, MONDO:0013071, OMIM 612998.
Autosomal recessive ataxia, Beauce type. Also called: SYNE1 Deficiency; ATAXIA, RECESSIVE, OF BEAUCE; Spinocerebellar ataxia, autosomal recessive 8; SYNE1-Related Autosomal Recessive Cerebellar Ataxia. Identifiers: Orphanet 88644, MedGen C1853116, MONDO:0012549, OMIM 610743.
SYNE1-related disorder. Also called: SYNE1-related disease; SYNE1-related condition; SYNE1-related disorders.

Allele frequency attached by ClinVar (database versions not stated): 1000 Genomes Project 30x 0.00125; 1000 Genomes Project 0.00140; TOPMed 0.00402; gnomAD 0.00408 and 0.00415; ExAC 0.00437; gnomAD exomes 0.00444 and 0.00784; ESP Exome Variant Server 0.00546.
gnomAD v4.1: 11,920 of 1,614,160 alleles (0.74%); highest among the groups gnomAD compares: Non-Finnish European, 0.94%; 72 homozygotes.

Submissions (11):

CeGaT Center for Human Genetics Tuebingen
Classification: Likely benign. Last evaluated: 2026-09-01. Review status: criteria provided, single submitter. Criteria: CeGaT Center For Human Genetics Tuebingen Variant Classification Criteria Version 2. Collection method: clinical testing. Allele origin: germline. Affected: yes. Observed: 44 variant alleles.
Comment: SYNE1: BP4, BS2

Labcorp Genetics (formerly Invitae), Labcorp
Classification: Benign for Emery-Dreifuss muscular dystrophy 4, autosomal dominant; Autosomal recessive ataxia, Beauce type. Last evaluated: 2026-01-21. Review status: criteria provided, single submitter. Criteria: Invitae Variant Classification Sherloc (09022015). Collection method: clinical testing. Allele origin: germline.

Athena Diagnostics
Classification: Benign. Last evaluated: 2024-10-17. Review status: criteria provided, single submitter. Criteria: Athena Diagnostics Criteria. Collection method: clinical testing. Allele origin: unknown.

Mayo Clinic Laboratories, Mayo Clinic
Classification: Benign. Last evaluated: 2023-05-10. Review status: criteria provided, single submitter. Criteria: ACMG Guidelines, 2015. Collection method: clinical testing. Allele origin: germline. Observed: 11 variant alleles.
Comment: BS1, BS2, BP4

Fulgent Genetics
Classification: Likely benign for Autosomal recessive ataxia, Beauce type; Emery-Dreifuss muscular dystrophy 4, autosomal dominant; Arthrogryposis multiplex congenita 3, myogenic type. Last evaluated: 2021-11-19. Review status: criteria provided, single submitter. Criteria: ACMG Guidelines, 2015. Collection method: clinical testing. Allele origin: unknown.

Illumina Laboratory Services, Illumina
Classification: Benign for Emery-Dreifuss muscular dystrophy 4, autosomal dominant. Last evaluated: 2018-01-13. Review status: criteria provided, single submitter. Criteria: ICSL Variant Classification Criteria 13 December 2019. Collection method: clinical testing. Allele origin: germline.
Comment: This variant was observed in the ICSL laboratory as part of a predisposition screen in an ostensibly healthy population. It had not been previously curated by ICSL or reported in the Human Gene Mutation Database (HGMD: prior to June 1st, 2018), and was therefore a candidate for classification through an automated scoring system. Utilizing variant allele frequency, disease prevalence and penetrance estimates, and inheritance mode, an automated score was calculated to assess if this variant is too frequent to cause the disease. Based on the score and internal cut-off values, a variant classified as benign is not then subjected to further curation. The score for this variant resulted in a classification of benign for this disease.

Illumina Laboratory Services, Illumina
Classification: Likely benign for Autosomal recessive ataxia, Beauce type. Last evaluated: 2018-01-13. Review status: criteria provided, single submitter. Criteria: ICSL Variant Classification Criteria 13 December 2019. Collection method: clinical testing. Allele origin: germline.
Comment: This variant was observed in the ICSL laboratory as part of a predisposition screen in an ostensibly healthy population. It had not been previously curated by ICSL or reported in the Human Gene Mutation Database (HGMD: prior to June 1st, 2018), and was therefore a candidate for classification through an automated scoring system. Utilizing variant allele frequency, disease prevalence and penetrance estimates, and inheritance mode, an automated score was calculated to assess if this variant is too frequent to cause the disease. Based on the score and internal cut-off values, a variant classified as likely benign is not then subjected to further curation. The score for this variant resulted in a classification of likely benign for this disease.

GeneDx
Classification: Likely benign. Last evaluated: 2018-01-03. Review status: criteria provided, single submitter. Criteria: GeneDx Variant Classification (06012015). Collection method: clinical testing. Allele origin: germline. Affected: yes.
Comment: This variant is considered likely benign or benign based on one or more of the following criteria: it is a conservative change, it occurs at a poorly conserved position in the protein, it is predicted to be benign by multiple in silico algorithms, and/or has population frequency not consistent with disease.

Eurofins Ntd Llc (ga)
Classification: Likely benign. Last evaluated: 2015-04-11. Review status: criteria provided, single submitter. Criteria: EGL Classification Definitions 2015. Collection method: clinical testing. Allele origin: germline. Observed: 1 variant allele, 1 heterozygote.

Breakthrough Genomics
Classification: Likely benign. Review status: criteria provided, single submitter. Criteria: ACMG Guidelines, 2015. Collection method: not provided. Allele origin: germline. Inheritance: Autosomal recessive inheritance. Affected: yes.

PreventionGenetics, part of Exact Sciences
Classification: Benign for SYNE1-related condition. Last evaluated: 2024-01-10. Review status: no assertion criteria provided. Collection method: clinical testing. Allele origin: germline. Not counted in ClinVar's aggregate classification.
Comment: This variant is classified as benign based on ACMG/AMP sequence variant interpretation guidelines (Richards et al. 2015 PMID: 25741868, with internal and published modifications).

Literature cited by the submitters: PubMed 29970176 (cited by Athena Diagnostics); PubMed 29482223 (cited by Athena Diagnostics); PubMed 33652732 (cited by Athena Diagnostics).